The following is an entry in ClinVar:

NM_002558.4(P2RX1):c.1142G>A (p.Arg381His)

Gene: P2RX1 (purinergic receptor P2X 1; minus strand). Cytogenetic location: 17p13.2.
Variant type: single nucleotide variant.
Coding change: c.1142G>A on transcript NM_002558.4 (MANE Select); coding-DNA position 1142, G replaced by A.
Protein change: p.Arg381His; replaces arginine 381 with histidine.
Molecular consequence: missense variant.
Genome position (GRCh38, 1-based): chr17:3,897,872, C>T on the plus strand (G>A on the coding strand, the complement: P2RX1 is on the minus strand). VCF-style: chr17-3897872-C-T. GRCh37 (hg19) VCF-style: chr17-3801166-C-T.
Other names: short protein forms R381H.
Identifiers: ClinVar variation 3053327 (VCV003053327.2), dbSNP rs61731001, ClinGen allele CA8295968.

ClinVar aggregate classification (germline): Likely benign (0 of 4 stars; one submission).

Conditions:
P2RX1-related disorder. Also called: P2RX1-related condition.

Allele frequency attached by ClinVar (database versions not stated): ExAC 0.00059; TOPMed 0.00154; ESP Exome Variant Server 0.00185; 1000 Genomes Project 0.00260; 1000 Genomes Project 30x 0.00281.

Submission:

PreventionGenetics, part of Exact Sciences
Classification: Likely benign for P2RX1-related condition. Last evaluated: 2019-08-14. Review status: no assertion criteria provided. Collection method: clinical testing. Allele origin: germline.
Comment: This variant is classified as likely benign based on ACMG/AMP sequence variant interpretation guidelines (Richards et al. 2015 PMID: 25741868, with internal and published modifications).